The following is an entry in ClinVar:

ClinVar aggregate classification (germline): Conflicting classifications of pathogenicity. Review status: criteria provided, conflicting classifications (1 of 4 stars). 6 submissions from 6 submitters: Uncertain significance (2); Likely benign (3). 1 of the submissions does not count toward it. Last evaluated 2026-01-26.

Conditions:
LAMC3-related disorder. Also called: LAMC3-related condition.
Inborn genetic diseases. Identifiers: MedGen C0950123, MeSH D030342.

Allele frequency attached by ClinVar (database versions not stated): 1000 Genomes Project 30x 0.00016; 1000 Genomes Project 0.00020; gnomAD exomes 0.00021 and 0.00034; ExAC 0.00033; gnomAD 0.00072 and 0.00079; TOPMed 0.00076; ESP Exome Variant Server 0.00115.

Submissions (6):

Labcorp Genetics (formerly Invitae), Labcorp
Classification: Likely benign. Last evaluated: 2026-01-26. Review status: criteria provided, single submitter. Criteria: Invitae Variant Classification Sherloc (09022015). Collection method: clinical testing. Allele origin: germline.

CeGaT Center for Human Genetics Tuebingen
Classification: Likely benign. Last evaluated: 2024-01-01. Review status: criteria provided, single submitter. Criteria: CeGaT Center For Human Genetics Tuebingen Variant Classification Criteria Version 2. Collection method: clinical testing. Allele origin: germline. Affected: yes. Observed: 1 variant allele.
Comment: LAMC3: BP4

Ambry Genetics
Classification: Likely benign for Inborn genetic diseases. Last evaluated: 2021-09-01. Review status: criteria provided, single submitter. Criteria: Ambry Variant Classification Scheme 2023. Collection method: clinical testing. Allele origin: germline.

Genetic Services Laboratory, University of Chicago
Classification: Uncertain significance. Last evaluated: 2017-02-13. Review status: criteria provided, single submitter. Criteria: ACMG Guidelines, 2015. Collection method: clinical testing. Allele origin: germline. Affected: no.

GeneDx
Classification: Uncertain significance. Last evaluated: 2016-11-02. Review status: criteria provided, single submitter. Criteria: GeneDx Variant Classification (06012015). Collection method: clinical testing. Allele origin: germline. Affected: yes.
Comment: The N743D variant in the LAMC3 gene has not been reported previously as a pathogenic variant, nor as a benign variant, to our knowledge. Although not present in the homozygous state, the NHLBI ESP Exome Sequencing Project reports N743D was observed in 11/4406 alleles (0.25%) from individuals of African American background. The N743D variant is a semi-conservative amino acid substitution, which may impact secondary protein structure as these residues differ in some properties. This substitution occurs at a position that is not conserved. In silico analysis predicts this variant is probably damaging to the protein structure/function. We interpret N743D as a variant of uncertain significance.

PreventionGenetics, part of Exact Sciences
Classification: Likely benign for LAMC3-related condition. Last evaluated: 2023-02-24. Review status: no assertion criteria provided. Collection method: clinical testing. Allele origin: germline. Not counted in ClinVar's aggregate classification.
Comment: This variant is classified as likely benign based on ACMG/AMP sequence variant interpretation guidelines (Richards et al. 2015 PMID: 25741868, with internal and published modifications).

NM_006059.4(LAMC3):c.2227A>G (p.Asn743Asp)

Gene: LAMC3 (laminin subunit gamma 3; plus strand). Cytogenetic location: 9q34.12.
Variant type: single nucleotide variant.
Coding change: c.2227A>G on transcript NM_006059.4 (MANE Select); coding-DNA position 2227, A replaced by G.
Protein change: p.Asn743Asp; replaces asparagine 743 with aspartic acid.
Molecular consequence: missense variant.
Genome position (GRCh38, 1-based): chr9:131,061,103, A>G. VCF-style: chr9-131061103-A-G. GRCh37 (hg19) VCF-style: chr9-133936490-A-G.
Other names: short protein forms N743D.
Identifiers: ClinVar variation 372404 (VCV000372404.38), dbSNP rs36030184, ClinGen allele CA5287358.
Genomic context (GRCh38, chr9:131,061,103, plus strand): 5'-GTCTGCAGCCACCATACCGAGGGCCCATCCTGTGAACGCTGTTTGCCAGGTTTCTATGGC[A>G]ACCCTTTCGCGGGCCAAGCCGACGACTGCCAGCCCTGTCCCTGCCCTGGCCAGTCGGCCT-3'
Protein context (NP_006050.3, residues 733-753): CERCLPGFYG[Asn743Asp]PFAGQADDCQ